The following is an entry in ClinVar:

NM_017672.6(TRPM7):c.1953A>T (p.Lys651Asn)

Gene: TRPM7 (transient receptor potential cation channel subfamily M member 7; minus strand). Cytogenetic location: 15q21.2.
Variant type: single nucleotide variant.
Coding change: c.1953A>T on transcript NM_017672.6 (MANE Select); coding-DNA position 1953, A replaced by T.
Protein change: p.Lys651Asn; replaces lysine 651 with asparagine.
Molecular consequence: missense variant. On other transcripts: non-coding transcript variant (3).
Genome position (GRCh38, 1-based): chr15:50,612,647, T>A on the plus strand (A>T on the coding strand, the complement: TRPM7 is on the minus strand). VCF-style: chr15-50612647-T-A. GRCh37 (hg19) VCF-style: chr15-50904844-T-A.
Other names: c.1953A>T, p.Lys651Asn (NM_001301212.2); short protein forms K651N.
Identifiers: ClinVar variation 3339347 (VCV003339347.1).

ClinVar aggregate classification (germline): Uncertain significance (1 of 4 stars; one submission).

Submission:

Women's Health and Genetics/Laboratory Corporation of America, LabCorp
Classification: Uncertain significance. Last evaluated: 2024-07-24. Review status: criteria provided, single submitter. Criteria: LabCorp Variant Classification Summary - May 2015. Collection method: clinical testing. Allele origin: germline.
Comment: Variant summary: TRPM7 c.1953A>T (p.Lys651Asn) results in a non-conservative amino acid change in the encoded protein sequence. Five of five in-silico tools predict a damaging effect of the variant on protein function. The variant was absent in 249482 control chromosomes. The available data on variant occurrences in the general population are insufficient to allow any conclusion about variant significance. To our knowledge, no occurrence of c.1953A>T in individuals affected with Amyotrophic Lateral Sclerosis-Parkinsonism Complex and no experimental evidence demonstrating its impact on protein function have been reported. No submitters have cited clinical-significance assessments for this variant to ClinVar. Based on the evidence outlined above, the variant was classified as uncertain significance.